The following is an entry in ClinVar:

ClinVar aggregate classification (germline): Conflicting classifications of pathogenicity. Review status: criteria provided, conflicting classifications (1 of 4 stars). 4 submissions from 4 submitters: Uncertain significance (1); Benign (1); Likely benign (2). Last evaluated 2026-07-01.

Allele frequency attached by ClinVar (database versions not stated): gnomAD 0.00001; gnomAD exomes 0.00004 and 0.00016; TOPMed 0.00004; ExAC 0.00012.
gnomAD v4.1: 54 of 1,612,286 alleles (0.0033%); highest among the groups gnomAD compares: Admixed American, 0.072%; no homozygotes.

Submissions (4):

CeGaT Center for Human Genetics Tuebingen
Classification: Likely benign. Last evaluated: 2026-07-01. Review status: criteria provided, single submitter. Criteria: CeGaT Center For Human Genetics Tuebingen Variant Classification Criteria Version 2. Collection method: clinical testing. Allele origin: germline. Affected: yes. Observed: 1 variant allele.
Comment: WDR62: BP4, BP7

Labcorp Genetics (formerly Invitae), Labcorp
Classification: Likely benign. Last evaluated: 2026-01-05. Review status: criteria provided, single submitter. Criteria: Invitae Variant Classification Sherloc (09022015). Collection method: clinical testing. Allele origin: germline.

Athena Diagnostics
Classification: Benign. Last evaluated: 2024-01-16. Review status: criteria provided, single submitter. Criteria: Athena Diagnostics Criteria. Collection method: clinical testing. Allele origin: unknown.

Eurofins Ntd Llc (ga)
Classification: Uncertain significance. Last evaluated: 2016-04-12. Review status: criteria provided, single submitter. Criteria: EGL Classification Definitions 2015. Collection method: clinical testing. Allele origin: germline. Observed: 4 variant alleles, 4 heterozygotes.

NM_001083961.2(WDR62):c.2040T>C (p.His680=)

Gene: WDR62 (WD repeat domain 62; plus strand). Cytogenetic location: 19q13.12.
Variant type: single nucleotide variant.
Coding change: c.2040T>C on transcript NM_001083961.2 (MANE Select); coding-DNA position 2040, T replaced by C.
Protein change: p.His680=; no amino-acid change (histidine 680 retained).
Molecular consequence: synonymous variant.
Genome position (GRCh38, 1-based): chr19:36,091,205, T>C. VCF-style: chr19-36091205-T-C. GRCh37 (hg19) VCF-style: chr19-36582107-T-C.
Other names: c.2040T>C, p.His680= (NM_173636.5).
Identifiers: ClinVar variation 194717 (VCV000194717.16), dbSNP rs765451882, ClinGen allele CA240852.